The following is an entry in ClinVar:

ClinVar aggregate classification (germline): Likely pathogenic (1 of 4 stars; one submission).

Conditions:
Intellectual disability, autosomal dominant 9 (NESCAVS). Also called: KIF1A-Related Neurodevelopmental Disorder; NESCAV SYNDROME. Identifiers: Orphanet 662367, MedGen C5393830, MONDO:0013656, OMIM 614255.

Submission:

Victorian Clinical Genetics Services, Murdoch Childrens Research Institute
Classification: Likely pathogenic for Intellectual disability, autosomal dominant 9. Last evaluated: 2023-12-21. Review status: criteria provided, single submitter. Criteria: ACMG Guidelines, 2015. Collection method: clinical testing. Allele origin: germline. Inheritance: Autosomal dominant inheritance. Affected: yes.
Comment: Based on the classification scheme VCGS_Germline_v1.3.4, this variant is classified as Likely Pathogenic. Following criteria are met: 0103 - Dominant negative, loss of function and gain of function are known mechanisms of disease in this gene. Dominant negative effect has been shown to cause NESCAV syndrome (MIM#614255; OMIM). Both loss and gain of function mechanisms have been reported for variants causing spastic paraplegia (MIM#610357, MIM#610357) and hereditary sensory and autonomic neuropathy type 2 (HSAN2; MIM#614213) (PMID 31488895, 31455732). (I) 0108 - This gene is known to be associated with both recessive and dominant disease. Genotype-phenotype correlation is currently unestablished. Missense variants tend to cluster within the kinesin motor domain and have been reported for both SPG30 and NESCAV syndrome. Only the correlation for HSAN2 (MIM#614213) is established with all patients except for one, carrying null variants outside the motor domain (PMID: 32737135). (I) 0200 - Variant is predicted to result in a missense amino acid change from glutamine to proline. (I) 0251 - This variant is heterozygous. (I) 0301 - Variant is absent from gnomAD (both v2 and v3). (SP) 0502 - Missense variant with conflicting in silico predictions and very highly conserved with a moderate amino acid change. (I) 0603 - Missense variant in a region that is highly intolerant to missense variation (high constraint region in DECIPHER). (SP) 0710 - Another missense variant comparable to the one identified in this case has inconclusive previous evidence for pathogenicity. This alternative change (p.(Gln671Glu)) has been reported once as a VUS (ClinVar). (I) 0809 - Previous evidence of pathogenicity for this variant is inconclusive. This variant has been reported once as a VUS, in an individual with cerebral palsy, visual loss, gastrointestinal issues and clinical suspicion of mitochondrial disease (ClinVar, personal communication). (I) 0905 - No published segregation evidence has been identified for this variant. (I) 1007 - No published functional evidence has been identified for this variant. (SP) Legend: (SP) - Supporting pathogenic, (I) - Information, (SB) - Supporting benign

Literature cited by the submitters: PubMed 31455732; PubMed 31488895; PubMed 32737135.

NM_001244008.2(KIF1A):c.2012_2013delinsCC (p.Gln671Pro)

Gene: KIF1A (kinesin family member 1A; minus strand). Cytogenetic location: 2q37.3.
Variant type: Indel.
Coding change: c.2012_2013delinsCC on transcript NM_001244008.2 (MANE Select); coding-DNA positions 2012 to 2013, AG replaced by CC.
Protein change: p.Gln671Pro; replaces glutamine 671 with proline.
Molecular consequence: missense variant.
Genome position (GRCh38, 1-based): chr2:240,763,028-240,763,029, CT replaced by GG on the plus strand (AG replaced by CC on the coding strand, the reverse complement: KIF1A is on the minus strand). VCF-style: chr2-240763028-CT-GG. GRCh37 (hg19) VCF-style: chr2-241702445-CT-GG.
Other names: c.2012_2013delinsCC, p.Gln671Pro (NM_001379638.1, NM_001320705.2, NM_001330289.2); c.1985_1986delinsCC, p.Gln662Pro (NM_001379639.1, NM_001379640.1, NM_001379641.1 and 10 more transcripts); c.2087_2088delinsCC, p.Gln696Pro (NM_001379646.1, NM_001330290.2, NM_001379631.1 and 2 more transcripts); c.2060_2061delinsCC, p.Gln687Pro (NM_001379648.1, NM_001379637.1); short protein forms Q662P, Q671P, Q687P, Q696P.
Identifiers: ClinVar variation 3376896 (VCV003376896.1).
Genomic context (GRCh38, chr2:240,763,028, plus strand): 5'-CCCCTGGTGTGGGTGGGGGCTGGGCAGGGAGGGCGGGGCCACGTCACTCACCAGCCGCTG[CT>GG]GCTCCAGCAGGTAGGTGGCCTCCTCCCGCTCGCGGCGGTACTGGTCCTCCAGTTCCTGGA-3'
Protein context (NP_001230937.1, residues 661-681): EREEATYLLE[Gln671Pro]QRLDYESKLE